The following is an entry in ClinVar:

ClinVar aggregate classification (germline): Uncertain significance (1 of 4 stars; one submission).

gnomAD v4.1: 1 of 1,552,564 alleles (0.000064%); highest among the groups gnomAD compares: Admixed American, 0.002%; no homozygotes.

Submission:

Labcorp Genetics (formerly Invitae), Labcorp
Classification: Uncertain significance. Last evaluated: 2024-12-31. Review status: criteria provided, single submitter. Criteria: Invitae Variant Classification Sherloc (09022015). Collection method: clinical testing. Allele origin: germline.
Comment: This sequence change replaces alanine, which is neutral and non-polar, with proline, which is neutral and non-polar, at codon 609 of the COL9A3 protein (p.Ala609Pro). This variant is not present in population databases (gnomAD no frequency). This variant has not been reported in the literature in individuals affected with COL9A3-related conditions. Invitae Evidence Modeling of protein sequence and biophysical properties (such as structural, functional, and spatial information, amino acid conservation, physicochemical variation, residue mobility, and thermodynamic stability) indicates that this missense variant is not expected to disrupt COL9A3 protein function with a negative predictive value of 95%. In summary, the available evidence is currently insufficient to determine the role of this variant in disease. Therefore, it has been classified as a Variant of Uncertain Significance.

NM_001853.4(COL9A3):c.1825G>C (p.Ala609Pro)

Gene: COL9A3 (collagen type IX alpha 3 chain; plus strand). Cytogenetic location: 20q13.33.
Variant type: single nucleotide variant.
Coding change: c.1825G>C on transcript NM_001853.4 (MANE Select); coding-DNA position 1825, G replaced by C.
Protein change: p.Ala609Pro; replaces alanine 609 with proline.
Molecular consequence: missense variant.
Genome position (GRCh38, 1-based): chr20:62,838,722, G>C. VCF-style: chr20-62838722-G-C. GRCh37 (hg19) VCF-style: chr20-61470074-G-C.
Other names: short protein forms A609P.
Identifiers: ClinVar variation 3637730 (VCV003637730.2).